The following is an entry in ClinVar:

ClinVar aggregate classification (germline): Pathogenic (1 of 4 stars; one submission).

Conditions:
Joubert syndrome. Also called: CEREBELLOPARENCHYMAL DISORDER IV; JOUBERT-BOLTSHAUSER SYNDROME; Familial aplasia of the vermis. Identifiers: Orphanet 475, MedGen C5979921, MONDO:0018772.

Submission:

Labcorp Genetics (formerly Invitae), Labcorp
Classification: Pathogenic for Joubert syndrome. Last evaluated: 2023-04-27. Review status: criteria provided, single submitter. Criteria: Invitae Variant Classification Sherloc (09022015). Collection method: clinical testing. Allele origin: unknown.
Comment: For these reasons, this variant has been classified as Pathogenic. This variant has not been reported in the literature in individuals affected with AHI1-related conditions. This variant is a gross deletion of the genomic region encompassing exon(s) 25 of the AHI1 gene. This deletion is out-of-frame, and is expected to create a premature termination codon and result in an absent or disrupted protein product. Loss-of-function variants in AHI1 are known to be pathogenic (PMID: 15322546, 16453322, 28442542, 29186038).

Literature cited by the submitters: PubMed 15322546; PubMed 16453322; PubMed 28442542; PubMed 29186038.

NC_000006.11:g.(?_135639637)_(135639774_?)del

Gene: AHI1 (Abelson helper integration site 1; minus strand). Cytogenetic location: 6q23.3.
Variant type: Deletion.
Identifiers: ClinVar variation 3245976 (VCV003245976.1).